The following is an entry in ClinVar:

NM_016151.4(TAOK2):c.2290C>T (p.Pro764Ser)

Gene: TAOK2 (TAO kinase 2; plus strand). Cytogenetic location: 16p11.2.
Variant type: single nucleotide variant.
Coding change: c.2290C>T on transcript NM_016151.4 (MANE Select); coding-DNA position 2290, C replaced by T.
Protein change: p.Pro764Ser; replaces proline 764 with serine.
Molecular consequence: missense variant. On other transcripts: intron variant (2).
Genome position (GRCh38, 1-based): chr16:29,986,562, C>T. VCF-style: chr16-29986562-C-T. GRCh37 (hg19) VCF-style: chr16-29997883-C-T.
Other names: c.2232+58C>T (NM_004783.4, NM_001252043.2); short protein forms P764S.
Identifiers: ClinVar variation 4993208 (VCV004993208.1).

ClinVar aggregate classification (germline): Uncertain significance (1 of 4 stars; one submission).

Conditions:
TAOK2-related disorder. Also called: TAOK2-related condition.

Submission:

PreventionGenetics, part of Exact Sciences
Classification: Uncertain significance for TAOK2-related condition. Last evaluated: 2025-12-16. Review status: criteria provided, single submitter. Criteria: ACMG Guidelines, 2015. Collection method: clinical testing. Allele origin: germline.
Comment: The TAOK2 c.2290C>T variant is predicted to result in the amino acid substitution p.Pro764Ser. To our knowledge, this variant has not been reported in the literature or in a large population database (gnomAD), indicating this variant is rare. At this time, the clinical significance of this variant is uncertain due to the absence of conclusive functional and genetic evidence.